The following is an entry in ClinVar:

ClinVar aggregate classification (germline): Uncertain significance (1 of 4 stars; one submission).

Submission:

GeneDx
Classification: Uncertain significance. Last evaluated: 2025-01-13. Review status: criteria provided, single submitter. Criteria: GeneDx Variant Classification Process June 2021. Collection method: clinical testing. Allele origin: germline. Affected: yes.
Comment: Not observed at significant frequency in large population cohorts (gnomAD); In silico analysis supports that this missense variant has a deleterious effect on protein structure/function; Has not been previously published as pathogenic or benign to our knowledge

NM_001378615.1(CC2D2A):c.3146G>C (p.Arg1049Pro)

Genes: CC2D2A (coiled-coil and C2 domain containing 2A; plus strand), FBXL5 (F-box and leucine rich repeat protein 5; minus strand). Cytogenetic location: 4p15.32.
Variant type: single nucleotide variant.
Coding change: c.3146G>C on transcript NM_001378615.1 (MANE Select); coding-DNA position 3146, G replaced by C.
Protein change: p.Arg1049Pro; replaces arginine 1049 with proline.
Molecular consequence: missense variant.
Genome position (GRCh38, 1-based): chr4:15,563,486, G>C. VCF-style: chr4-15563486-G-C. GRCh37 (hg19) VCF-style: chr4-15565109-G-C.
Other names: c.3146G>C, p.Arg1049Pro (NM_001080522.2); c.2999G>C, p.Arg1000Pro (NM_001378617.1); short protein forms R1000P, R1049P.
Identifiers: ClinVar variation 4057104 (VCV004057104.1).